The following is an entry in ClinVar:

NM_172201.2(KCNE2):c.160A>G (p.Met54Val)

Genes: KCNE2 (potassium voltage-gated channel subfamily E regulatory subunit 2; plus strand), LOC105372791 (uncharacterized LOC105372791; minus strand). Cytogenetic location: 21q22.11.
Variant type: single nucleotide variant.
Coding change: c.160A>G on transcript NM_172201.2 (MANE Select); coding-DNA position 160, A replaced by G.
Protein change: p.Met54Val; replaces methionine 54 with valine.
Molecular consequence: missense variant.
Genome position (GRCh38, 1-based): chr21:34,370,638, A>G. VCF-style: chr21-34370638-A-G. GRCh37 (hg19) VCF-style: chr21-35742937-A-G.
Other names: short protein forms M54V.
Identifiers: ClinVar variation 938947 (VCV000938947.11), dbSNP rs371724328, ClinGen allele CA10013416.

ClinVar aggregate classification (germline): Uncertain significance. Review status: criteria provided, multiple submitters, no conflicts (2 of 4 stars). 2 submissions from 2 submitters: Uncertain significance (2). Last evaluated 2025-08-11.

Conditions:
Long QT syndrome 6 (LQT6). Identifiers: Orphanet 101016, Orphanet 768, MedGen C3150953, MONDO:0013370, OMIM 613693.

Allele frequency attached by ClinVar (database versions not stated): gnomAD 0.00001; gnomAD exomes 0.00001 and 0.00002; ExAC 0.00002; TOPMed below 0.00001; ESP Exome Variant Server 0.00008.
gnomAD v4.1: 28 of 1,614,084 alleles (0.0017%); highest among the groups gnomAD compares: Non-Finnish European, 0.0024%; no homozygotes.

Submissions (2):

Labcorp Genetics (formerly Invitae), Labcorp
Classification: Uncertain significance for Long QT syndrome 6. Last evaluated: 2025-08-11. Review status: criteria provided, single submitter. Criteria: Invitae Variant Classification Sherloc (09022015). Collection method: clinical testing. Allele origin: germline.
Comment: This sequence change replaces methionine, which is neutral and non-polar, with valine, which is neutral and non-polar, at codon 54 of the KCNE2 protein (p.Met54Val). This variant is present in population databases (rs371724328, gnomAD 0.003%). This variant has not been reported in the literature in individuals affected with KCNE2-related conditions. ClinVar contains an entry for this variant (Variation ID: 938947). An algorithm developed to predict the effect of missense changes on protein structure and function (PolyPhen-2) suggests that this variant is likely to be tolerated. In summary, the available evidence is currently insufficient to determine the role of this variant in disease. Therefore, it has been classified as a Variant of Uncertain Significance.

Victorian Clinical Genetics Services, Murdoch Childrens Research Institute
Classification: Uncertain significance for Long QT syndrome 6. Last evaluated: 2022-03-31. Review status: criteria provided, single submitter. Criteria: ACMG Guidelines, 2015. Collection method: clinical testing. Allele origin: germline. Inheritance: Autosomal dominant inheritance. Affected: yes.
Comment: Based on the classification scheme VCGS_Germline_v1.3.4, this variant is classified as VUS-3B. Following criteria are met: 0105 - The mechanism of disease for this gene is not clearly established, however loss- and gain of function are suggested mechanisms (PMID: 26123744, PMID: 24796621). (I) 0107 - This gene is associated with autosomal dominant disease. (I) 0200 - Variant is predicted to result in a missense amino acid change from methionine to valine. (I) 0251 - This variant is heterozygous. (I) 0302 - Variant is present in gnomAD (v2) <0.001 for a dominant condition (3 heterozygotes, 0 homozygotes). (SP) 0309 - An alternative amino acid change at the same position has been observed in gnomAD (v2) (69 heterozygotes, 0 homozygotes). (I) 0502 - Missense variant with conflicting in silico predictions and uninformative conservation. (I) 0600 - Variant is located in the annotated ISK channel domain (DECIPHER). (I) 0705 - No comparable missense variants have previous evidence for pathogenicity. However, an alternative change with a higher Grantham score, p.(Met54Thr), has been reported. This variant has been classified as a VUS, likely pathogenic and as a risk factor, and has been observed in several individuals with arrhythmia, sudden death, Brugada syndrome and long QT syndrome (ClinVar, PMID: 32078429, PMID: 33626434). (I) 0809 - Previous evidence of pathogenicity for this variant is inconclusive. This variant has been reported as a VUS (ClinVar). (I) 0905 - No published segregation evidence has been identified for this variant. (I) 1007 - No published functional evidence has been identified for this variant. (I) 1208 - Inheritance information for this variant is not currently available in this individual. (I) Legend: (SP) - Supporting pathogenic, (I) - Information, (SB) - Supporting benign

Literature cited by the submitters: PubMed 24796621 (cited by Victorian Clinical Genetics Services, Murdoch Childrens Research Institute); PubMed 26123744 (cited by Victorian Clinical Genetics Services, Murdoch Childrens Research Institute); PubMed 32078429 (cited by Victorian Clinical Genetics Services, Murdoch Childrens Research Institute); PubMed 33626434 (cited by Victorian Clinical Genetics Services, Murdoch Childrens Research Institute).